The following is an entry in ClinVar:

ClinVar aggregate classification (germline): Uncertain significance (1 of 4 stars; one submission).

Conditions:
Intellectual disability. Also called: Intellectual functioning disability; intellectual disabilities; Intellectual developmental disorder. Identifiers: MedGen C3714756, MeSH D008607, MONDO:0001071, HP:0001249.

Submission:

Labcorp Genetics (formerly Invitae), Labcorp
Classification: Uncertain significance for Intellectual disability. Last evaluated: 2020-04-05. Review status: criteria provided, single submitter. Criteria: Invitae Variant Classification Sherloc (09022015). Collection method: clinical testing. Allele origin: germline.
Comment: In summary, the available evidence is currently insufficient to determine the role of this variant in disease. Therefore, it has been classified as a Variant of Uncertain Significance. This variant disrupts the p.Lys303 amino acid residue in GABRB2. Other variant(s) that disrupt this residue have been determined to be pathogenic (PMID: 29100083). This suggests that this residue is clinically significant, and that variants that disrupt this residue are likely to be disease-causing. Algorithms developed to predict the effect of missense changes on protein structure and function (SIFT, PolyPhen-2, Align-GVGD) all suggest that this variant is likely to be disruptive, but these predictions have not been confirmed by published functional studies and their clinical significance is uncertain. This variant has not been reported in the literature in individuals with GABRB2-related conditions. This variant is not present in population databases (ExAC no frequency). This sequence change replaces lysine with threonine at codon 303 of the GABRB2 protein (p.Lys303Thr). The lysine residue is highly conserved and there is a moderate physicochemical difference between lysine and threonine.

Literature cited by the submitters: PubMed 29100083.

NM_001371727.1(GABRB2):c.908A>C (p.Lys303Thr)

Gene: GABRB2 (gamma-aminobutyric acid type A receptor subunit beta2; minus strand). Cytogenetic location: 5q34.
Variant type: single nucleotide variant.
Coding change: c.908A>C on transcript NM_001371727.1 (MANE Select); coding-DNA position 908, A replaced by C.
Protein change: p.Lys303Thr; replaces lysine 303 with threonine.
Molecular consequence: missense variant.
Genome position (GRCh38, 1-based): chr5:161,331,052, T>G on the plus strand (A>C on the coding strand, the complement: GABRB2 is on the minus strand). VCF-style: chr5-161331052-T-G. GRCh37 (hg19) VCF-style: chr5-160758059-T-G.
Other names: c.908A>C, p.Lys303Thr (NM_021911.3, NM_000813.3); short protein forms K303T.
Identifiers: ClinVar variation 1017922 (VCV001017922.9), dbSNP rs1554093885, ClinGen allele CA362175366.